The following is an entry in ClinVar:

ClinVar aggregate classification (germline): Uncertain significance (1 of 4 stars; one submission).

Conditions:
Hereditary cancer-predisposing syndrome. Also called: Hereditary neoplastic syndrome; Tumor predisposition; Hereditary Cancer Syndrome; Neoplastic Syndromes, Hereditary. Identifiers: Orphanet 140162, MedGen C0027672, MeSH D009386, MONDO:0015356.

Submission:

Ambry Genetics
Classification: Uncertain significance for Hereditary cancer-predisposing syndrome. Last evaluated: 2023-08-03. Review status: criteria provided, single submitter. Criteria: Ambry Variant Classification Scheme 2023. Collection method: clinical testing. Allele origin: germline.
Comment: The p.T1179S variant (also known as c.3536C>G), located in coding exon 17 of the BLM gene, results from a C to G substitution at nucleotide position 3536. The threonine at codon 1179 is replaced by serine, an amino acid with similar properties. This amino acid position is conserved. In addition, this alteration is predicted to be tolerated by in silico analysis. Since supporting evidence is limited at this time, the clinical significance of this alteration remains unclear.

NM_000057.4(BLM):c.3536C>G (p.Thr1179Ser)

Gene: BLM (BLM RecQ like helicase; plus strand). Cytogenetic location: 15q26.1.
Variant type: single nucleotide variant.
Coding change: c.3536C>G on transcript NM_000057.4 (MANE Select); coding-DNA position 3536, C replaced by G.
Protein change: p.Thr1179Ser; replaces threonine 1179 with serine.
Molecular consequence: missense variant. On other transcripts: intron variant (1).
Genome position (GRCh38, 1-based): chr15:90,803,698, C>G. VCF-style: chr15-90803698-C-G. GRCh37 (hg19) VCF-style: chr15-91346928-C-G.
Other names: c.3536C>G, p.Thr1179Ser (NM_001287246.2); c.2411C>G, p.Thr804Ser (NM_001287248.2); c.3358+5361C>G (NM_001287247.2); short protein forms T804S, T1179S.
Identifiers: ClinVar variation 2586891 (VCV002586891.2), dbSNP rs1555424324, ClinGen allele CA393847817.